The following is an entry in ClinVar:

ClinVar aggregate classification (germline): Benign/Likely benign. Review status: criteria provided, multiple submitters, no conflicts (2 of 4 stars). 6 submissions from 6 submitters: Benign (1); Likely benign (5). Last evaluated 2025-11-22.

Conditions:
Multiple endocrine neoplasia, type 2 (MEN2). Identifiers: Orphanet 653, MedGen C4048306, MONDO:0019003. Disease mechanism: gain of function.
Familial medullary thyroid carcinoma (MTC). Also called: Familial Medullary Thyroid Carcinoma (FMTC); Thyroid cancer, familial medullary; MTC, familial. Identifiers: Orphanet 653, Orphanet 99361, MedGen C1833921, MONDO:0007958, OMIM 155240.
Pheochromocytoma. Also called: MAX-Related Hereditary Paraganglioma-Pheochromocytoma Syndrome. Identifiers: Orphanet 29072, MedGen C0031511, MONDO:0008233, OMIM 171300, HP:0002666.
Multiple endocrine neoplasia type 2A. Also called: Multiple Endocrine Neoplasia Type 2A (MEN2A); MULTIPLE ENDOCRINE NEOPLASIA, TYPE IIA; PTC SYNDROME; SIPPLE SYNDROME; MEN 2A; MEN-2A syndrome. Identifiers: Orphanet 247698, Orphanet 653, MedGen C0025268, MeSH D018813, MONDO:0008234, OMIM 171400.
Hirschsprung disease, susceptibility to, 1 (HSCR1). Also called: RET-Related Hirschsprung Disease. Identifiers: Orphanet 388, MedGen C3888239, MONDO:0007723, OMIM 142623.
Multiple endocrine neoplasia type 2B. Also called: WAGENMANN-FROBOESE SYNDROME; MULTIPLE ENDOCRINE NEOPLASIA, TYPE III; MUCOSAL NEUROMA SYNDROME; Multiple Endocrine Neoplasia Type 2B (MEN2B); Multiple endocrine neoplasia, type 3; MULTIPLE ENDOCRINE NEOPLASIA, TYPE IIB. Identifiers: Orphanet 247709, Orphanet 653, MedGen C0025269, MeSH D018814, MONDO:0008082, OMIM 162300.
Hereditary cancer-predisposing syndrome. Also called: Hereditary Cancer Syndrome; Hereditary neoplastic syndrome; Tumor predisposition; Neoplastic Syndromes, Hereditary. Identifiers: Orphanet 140162, MedGen C0027672, MeSH D009386, MONDO:0015356.

Allele frequency attached by ClinVar (database versions not stated): ExAC 0.00001; gnomAD exomes 0.00001 and 0.00002; gnomAD 0.00003 and 0.00004; TOPMed 0.00003.
gnomAD v4.1: 21 of 1,612,654 alleles (0.0013%); highest among the groups gnomAD compares: Admixed American, 0.01%; no homozygotes.

Submissions (6):

Labcorp Genetics (formerly Invitae), Labcorp
Classification: Likely benign for Multiple endocrine neoplasia, type 2. Last evaluated: 2025-11-22. Review status: criteria provided, single submitter. Criteria: Invitae Variant Classification Sherloc (09022015). Collection method: clinical testing. Allele origin: germline.

Myriad Genetics, Inc.
Classification: Benign for Multiple endocrine neoplasia type 2A. Last evaluated: 2025-02-27. Review status: criteria provided, single submitter. Criteria: Myriad Autosomal Dominant, Autosomal Recessive and X-Linked Classification Criteria (2023). Collection method: clinical testing. Allele origin: unknown.
Comment: This variant is considered benign. This variant is a silent/synonymous amino acid change and it is not expected to impact splicing.

All of Us Research Program, National Institutes of Health
Classification: Likely benign for Multiple endocrine neoplasia, type 2. Last evaluated: 2023-11-30. Review status: criteria provided, single submitter. Criteria: ACMG Guidelines, 2015. Collection method: clinical testing. Allele origin: germline. Inheritance: Autosomal dominant inheritance. Observed: 2 variant alleles, 2 heterozygotes.
Comment: This study involves interpretation of variants in research participants for the purpose of population health screening. Participant phenotype was not available at the time of variant classification. Additional details can be found in publication PMID: 35346344, PMCID: PMC8962531

Color Diagnostics, LLC DBA Color Health
Classification: Likely benign for Multiple endocrine neoplasia, type 2. Last evaluated: 2022-09-29. Review status: criteria provided, single submitter. Criteria: ACMG Guidelines, 2015. Collection method: clinical testing. Allele origin: germline.

Fulgent Genetics
Classification: Likely benign for Hirschsprung disease, susceptibility to, 1; Familial medullary thyroid carcinoma; Multiple endocrine neoplasia type 2B; Pheochromocytoma; Multiple endocrine neoplasia type 2A. Last evaluated: 2021-08-12. Review status: criteria provided, single submitter. Criteria: ACMG Guidelines, 2015. Collection method: clinical testing. Allele origin: unknown.

Ambry Genetics
Classification: Likely benign for Hereditary cancer-predisposing syndrome. Last evaluated: 2016-06-08. Review status: criteria provided, single submitter. Criteria: Ambry Variant Classification Scheme 2023. Collection method: clinical testing. Allele origin: germline.

NM_020975.6(RET):c.2790G>A (p.Thr930=)

Gene: RET (ret proto-oncogene; plus strand). Cytogenetic location: 10q11.21.
Variant type: single nucleotide variant.
Coding change: c.2790G>A on transcript NM_020975.6 (MANE Select); coding-DNA position 2790, G replaced by A.
Protein change: p.Thr930=; no amino-acid change (threonine 930 retained).
Molecular consequence: synonymous variant.
Genome position (GRCh38, 1-based): chr10:43,122,005, G>A. VCF-style: chr10-43122005-G-A. GRCh37 (hg19) VCF-style: chr10-43617453-G-A.
Other names: c.2790G>A, p.Thr930= (NM_000323.2, NM_001406743.1, NM_001406744.1 and 4 more transcripts); c.2028G>A, p.Thr676= (NM_001355216.2); c.2661G>A, p.Thr887= (NM_001406761.1, NM_001406762.1, NM_001406764.1); c.2655G>A, p.Thr885= (NM_001406763.1, NM_001406765.1); c.2502G>A, p.Thr834= (NM_001406766.1, NM_001406767.1, NM_001406770.1); c.2526G>A, p.Thr842= (NM_001406768.1); c.2394G>A, p.Thr798= (NM_001406769.1, NM_001406772.1); c.2352G>A, p.Thr784= (NM_001406771.1, NM_001406773.1); and 10 more.
Identifiers: ClinVar variation 486323 (VCV000486323.20), dbSNP rs746599792, ClinGen allele CA040923.